The following is an entry in ClinVar:

ClinVar aggregate classification (germline): Uncertain significance (1 of 4 stars; one submission).

Conditions:
DOCK2 deficiency. Also called: Immunodeficiency 40. Identifiers: Orphanet 447737, MedGen C4225328, MONDO:0014637, OMIM 616433.

Allele frequency attached by ClinVar (database versions not stated): gnomAD exomes below 0.00001; ExAC 0.00001; TOPMed 0.00001.
gnomAD v4.1: 3 of 1,613,726 alleles (0.00019%); highest among the groups gnomAD compares: East Asian, 0.0067%; no homozygotes.

Submission:

Labcorp Genetics (formerly Invitae), Labcorp
Classification: Uncertain significance for DOCK2 deficiency. Last evaluated: 2022-03-04. Review status: criteria provided, single submitter. Criteria: Invitae Variant Classification Sherloc (09022015). Collection method: clinical testing. Allele origin: germline.
Comment: This sequence change replaces glycine, which is neutral and non-polar, with aspartic acid, which is acidic and polar, at codon 1266 of the DOCK2 protein (p.Gly1266Asp). This variant is present in population databases (rs746232123, gnomAD 0.01%). This variant has not been reported in the literature in individuals affected with DOCK2-related conditions. Algorithms developed to predict the effect of missense changes on protein structure and function (SIFT, PolyPhen-2, Align-GVGD) all suggest that this variant is likely to be tolerated. In summary, the available evidence is currently insufficient to determine the role of this variant in disease. Therefore, it has been classified as a Variant of Uncertain Significance.

NM_004946.3(DOCK2):c.3797G>A (p.Gly1266Asp)

Gene: DOCK2 (dedicator of cytokinesis 2; plus strand). Cytogenetic location: 5q35.1.
Variant type: single nucleotide variant.
Coding change: c.3797G>A on transcript NM_004946.3 (MANE Select); coding-DNA position 3797, G replaced by A.
Protein change: p.Gly1266Asp; replaces glycine 1266 with aspartic acid.
Molecular consequence: missense variant. On other transcripts: non-coding transcript variant (1).
Genome position (GRCh38, 1-based): chr5:170,042,053, G>A. VCF-style: chr5-170042053-G-A. GRCh37 (hg19) VCF-style: chr5-169469057-G-A.
Other names: short protein forms G1266D.
Identifiers: ClinVar variation 2173528 (VCV002173528.1), dbSNP rs746232123, ClinGen allele CA3554331.